The following is an entry in ClinVar:

ClinVar aggregate classification (germline): Benign/Likely benign. Review status: criteria provided, multiple submitters, no conflicts (2 of 4 stars). 4 submissions from 4 submitters: Benign (1); Likely benign (3). Last evaluated 2025-11-01.

Conditions:
COL11A1-related disorder. Also called: COL11A1-related disorders; COL11A1-related condition.

Allele frequency attached by ClinVar (database versions not stated): 1000 Genomes Project 0.00040; 1000 Genomes Project 30x 0.00047.
gnomAD v4.1: 186 of 1,596,946 alleles (0.012%); highest among the groups gnomAD compares: South Asian, 0.2%; 1 homozygote.

Submissions (4):

Labcorp Genetics (formerly Invitae), Labcorp
Classification: Benign. Last evaluated: 2025-11-01. Review status: criteria provided, single submitter. Criteria: Invitae Variant Classification Sherloc (09022015). Collection method: clinical testing. Allele origin: germline.

PreventionGenetics, part of Exact Sciences
Classification: Likely benign for COL11A1-related condition. Last evaluated: 2025-10-28. Review status: criteria provided, single submitter. Criteria: ACMG Guidelines, 2015. Collection method: clinical testing. Allele origin: germline.
Comment: This variant is classified as likely benign based on ACMG/AMP sequence variant interpretation guidelines (Richards et al. 2015 PMID: 25741868, with internal and published modifications).

Blueprint Genetics
Classification: Likely benign. Last evaluated: 2024-11-13. Review status: criteria provided, single submitter. Criteria: ACMG Guidelines, 2015. Collection method: clinical testing. Allele origin: germline.

GeneDx
Classification: Likely benign. Last evaluated: 2020-01-02. Review status: criteria provided, single submitter. Criteria: GeneDx Variant Classification Process June 2021. Collection method: clinical testing. Allele origin: germline. Affected: yes.

NM_001854.4(COL11A1):c.1246-9A>C

Gene: COL11A1 (collagen type XI alpha 1 chain; minus strand). Cytogenetic location: 1p21.1.
Variant type: single nucleotide variant.
Coding change: c.1246-9A>C on transcript NM_001854.4 (MANE Select); 9 bases into the intron before coding-DNA position 1246, A replaced by C.
Molecular consequence: intron variant.
Genome position (GRCh38, 1-based): chr1:103,021,778, T>G on the plus strand (A>C on the coding strand, the complement: COL11A1 is on the minus strand). VCF-style: chr1-103021778-T-G. GRCh37 (hg19) VCF-style: chr1-103487334-T-G.
Other names: c.1129-9A>C (NM_001190709.2); c.1282-9A>C (NM_080629.3); c.898-9A>C (NM_080630.4); c.1246-9A>C (NM_001854.3).
Identifiers: ClinVar variation 1169640 (VCV001169640.14), dbSNP rs375455188, ClinGen allele CA975062.